The following is an entry in ClinVar:

ClinVar aggregate classification (germline): Uncertain significance (1 of 4 stars; one submission).

Allele frequency attached by ClinVar (database versions not stated): gnomAD exomes below 0.00001; gnomAD 0.00001; TOPMed 0.00001.
gnomAD v4.1: 5 of 1,613,028 alleles (0.00031%); highest among the groups gnomAD compares: Middle Eastern, 0.033%; no homozygotes.

Submission:

Labcorp Genetics (formerly Invitae), Labcorp
Classification: Uncertain significance. Last evaluated: 2021-12-28. Review status: criteria provided, single submitter. Criteria: Invitae Variant Classification Sherloc (09022015). Collection method: clinical testing. Allele origin: germline.
Comment: This sequence change falls in intron 29 of the ABCC6 gene. It does not directly change the encoded amino acid sequence of the ABCC6 protein. It affects a nucleotide within the consensus splice site. This variant is present in population databases (no rsID available, gnomAD 0.0009%). This variant has not been reported in the literature in individuals affected with ABCC6-related conditions. Variants that disrupt the consensus splice site are a relatively common cause of aberrant splicing (PMID: 17576681, 9536098). Algorithms developed to predict the effect of sequence changes on RNA splicing suggest that this variant is not likely to affect RNA splicing. In summary, the available evidence is currently insufficient to determine the role of this variant in disease. Therefore, it has been classified as a Variant of Uncertain Significance.

Literature cited by the submitters: PubMed 17576681; PubMed 9536098.

NM_001171.6(ABCC6):c.4209-3C>T

Gene: ABCC6 (ATP binding cassette subfamily C member 6; minus strand). Cytogenetic location: 16p13.11.
Variant type: single nucleotide variant.
Coding change: c.4209-3C>T on transcript NM_001171.6 (MANE Select); 3 bases into the intron before coding-DNA position 4209, C replaced by T.
Molecular consequence: intron variant.
Genome position (GRCh38, 1-based): chr16:16,150,775, G>A on the plus strand (C>T on the coding strand, the complement: ABCC6 is on the minus strand). VCF-style: chr16-16150775-G-A. GRCh37 (hg19) VCF-style: chr16-16244632-G-A.
Other names: c.3867-3C>T (NM_001351800.1).
Identifiers: ClinVar variation 1975995 (VCV001975995.2), dbSNP rs1355332414, ClinGen allele CA621656838.